The following is an entry in ClinVar:

ClinVar aggregate classification (germline): Uncertain significance (1 of 4 stars; one submission).

Submission:

Dasa
Classification: Uncertain significance. Last evaluated: 2026-01-16. Review status: criteria provided, single submitter. Criteria: DASA Assertion Criteria. Collection method: clinical testing. Allele origin: germline.
Comment: NM_015021.3(ZNF292):c.4963A>G (p.Met1655Val) is a missense variant that results in the substitution of methionine with valine. This variant is rare in population databases. Computational prediction algorithms are consistent with a benign effect. The currently available literature and clinical evidence are not sufficient to establish a definitive association between this variant and the reported condition. Therefore, this variant is classified as a variant of uncertain significance.

NM_015021.3(ZNF292):c.4963A>G (p.Met1655Val)

Gene: ZNF292 (zinc finger protein 292; plus strand). Cytogenetic location: 6q14.3.
Variant type: single nucleotide variant.
Coding change: c.4963A>G on transcript NM_015021.3 (MANE Select); coding-DNA position 4963, A replaced by G.
Protein change: p.Met1655Val; replaces methionine 1655 with valine.
Molecular consequence: missense variant.
Genome position (GRCh38, 1-based): chr6:87,258,592, A>G. VCF-style: chr6-87258592-A-G. GRCh37 (hg19) VCF-style: chr6-87968310-A-G.
Other names: c.4543A>G, p.Met1515Val (NM_001351444.2); short protein forms M1515V, M1655V.
Identifiers: ClinVar variation 4884967 (VCV004884967.2).
Genomic context (GRCh38, chr6:87,258,592, plus strand): 5'-GCTCCTCCACTAATTGCACCTAACGCTTCCCAAAACTTGGTAACAAGTGACTTAACAACA[A>G]TGGGACTCATAGCAAAGAGTGTTGAAATCCCAACTACTAACCTTCATTCAAATGTAATTC-3'
Protein context (NP_055836.1, residues 1645-1665): QNLVTSDLTT[Met1655Val]GLIAKSVEIP